The following is an entry in ClinVar:

ClinVar aggregate classification (germline): Pathogenic (1 of 4 stars; one submission).

Conditions:
Osteogenesis imperfecta type I (OI1). Also called: Lobstein disease; Classic Non-deforming Osteogenesis Imperfecta with Blue Sclerae; OI, TYPE I; OSTEOGENESIS IMPERFECTA TARDA; OSTEOGENESIS IMPERFECTA WITH BLUE SCLERAE; Osteogenesis imperfecta type 1. Identifiers: Orphanet 216796, Orphanet 666, MedGen C0023931, MONDO:0008146, OMIM 166200. Disease mechanism: loss of function.

Submission:

MVZ Praenatalmedizin und Genetik Nuernberg
Classification: Pathogenic for Osteogenesis imperfecta type I. Last evaluated: 2022-05-31. Review status: criteria provided, single submitter. Criteria: ACMG Guidelines, 2015. Collection method: clinical testing. Allele origin: germline. Affected: yes.
Comment: The duplication of two nucleotides leads to a shift in the reading frame and consequently premature translational stop codon and is considered pathogenic due to loss of function. The mutation segregated in the family with the phenotype. It has not yet been described in the ClinVar database. Two other deleterious mutations in close proximity (c.288del and c.291del) producing same shift of the reading frame with identical stop position are classified as pathogenic in ClinVar. Pathogenic changes in the COL1A1 gene are associated with various forms of osteogenesis imperfecta in an autosomal dominant manner (see OMIM *120150).

NM_000088.4(COL1A1):c.289_290dup (p.Asp97fs)

Gene: COL1A1 (collagen type I alpha 1 chain; minus strand). Cytogenetic location: 17q21.33.
Variant type: Duplication.
Coding change: c.289_290dup on transcript NM_000088.4 (MANE Select); coding-DNA positions 289 to 290, 2 bases duplicated (GA; older notation c.289_290dupGA).
Protein change: p.Asp97fs; shifts the reading frame from aspartic acid 97.
Molecular consequence: frameshift variant.
Genome position (GRCh38, 1-based): chr17:50,199,761-50,199,762, TC duplicated on the plus strand (GA on the coding strand, the reverse complement: COL1A1 is on the minus strand). VCF-style (leftmost placement, unchanged base first): chr17-50199760-G-GTC. GRCh37 (hg19) VCF-style: chr17-48277121-G-GTC.
Other names: short protein forms D97fs.
Identifiers: ClinVar variation 4813433 (VCV004813433.1).